The following is an entry in ClinVar:

NM_206933.4(USH2A):c.10514C>T (p.Pro3505Leu)

Gene: USH2A (usherin; minus strand). Cytogenetic location: 1q41.
Variant type: single nucleotide variant.
Coding change: c.10514C>T on transcript NM_206933.4 (MANE Select); coding-DNA position 10514, C replaced by T.
Protein change: p.Pro3505Leu; replaces proline 3505 with leucine.
Molecular consequence: missense variant.
Genome position (GRCh38, 1-based): chr1:215,782,809, G>A on the plus strand (C>T on the coding strand, the complement: USH2A is on the minus strand). VCF-style: chr1-215782809-G-A. GRCh37 (hg19) VCF-style: chr1-215956151-G-A.
Other names: short protein forms P3505L.
Identifiers: ClinVar variation 1392450 (VCV001392450.6), dbSNP rs186570255, ClinGen allele CA1393998.
Genomic context (GRCh38, chr1:215,782,809, plus strand): 5'-ATAGGTTTTCTCCAGTTTAAGACAATTGTATCTTCAAGATTGTCTATTTTGGTCCACGTA[G>A]GGGGACTCACTCCTTGAGGCACATCTTCTTTTGTTCTGGCTCTCACAGCTTTGCTGAGTC-3'
Protein context (NP_996816.3, residues 3495-3515): KEDVPQGVSP[Pro3505Leu]TWTKIDNLED

ClinVar aggregate classification (germline): Uncertain significance (1 of 4 stars; one submission).

Allele frequency attached by ClinVar (database versions not stated): gnomAD exomes below 0.00001; ExAC 0.00001; gnomAD 0.00001; 1000 Genomes Project 30x 0.00016; 1000 Genomes Project 0.00020.
gnomAD v4.1: 1 of 1,613,956 alleles (0.000062%); highest among the groups gnomAD compares: East Asian, 0.0022%; no homozygotes.

Submission:

Labcorp Genetics (formerly Invitae), Labcorp
Classification: Uncertain significance. Last evaluated: 2022-06-05. Review status: criteria provided, single submitter. Criteria: Invitae Variant Classification Sherloc (09022015). Collection method: clinical testing. Allele origin: germline.
Comment: This sequence change replaces proline, which is neutral and non-polar, with leucine, which is neutral and non-polar, at codon 3505 of the USH2A protein (p.Pro3505Leu). This variant is present in population databases (rs186570255, gnomAD 0.006%). This variant has not been reported in the literature in individuals affected with USH2A-related conditions. ClinVar contains an entry for this variant (Variation ID: 1392450). Algorithms developed to predict the effect of missense changes on protein structure and function are either unavailable or do not agree on the potential impact of this missense change (SIFT: "Deleterious"; PolyPhen-2: "Probably Damaging"; Align-GVGD: "Class C0"). In summary, the available evidence is currently insufficient to determine the role of this variant in disease. Therefore, it has been classified as a Variant of Uncertain Significance.